The following is an entry in ClinVar:

NM_007294.4(BRCA1):c.459T>A (p.Ser153Arg)

Gene: BRCA1 (BRCA1 DNA repair associated; minus strand). Cytogenetic location: 17q21.31.
Variant type: single nucleotide variant.
Coding change: c.459T>A on transcript NM_007294.4 (MANE Select); coding-DNA position 459, T replaced by A.
Protein change: p.Ser153Arg; replaces serine 153 with arginine.
Molecular consequence: missense variant. On other transcripts: non-coding transcript variant (1).
Genome position (GRCh38, 1-based): chr17:43,099,863, A>T on the plus strand (T>A on the coding strand, the complement: BRCA1 is on the minus strand). VCF-style: chr17-43099863-A-T. GRCh37 (hg19) VCF-style: chr17-41251880-A-T.
Other names: c.459T>A, p.Ser153Arg (NM_001407977.1, NM_001407978.1, NM_001407979.1 and 97 more transcripts); c.456T>A, p.Ser152Arg (NM_001407984.1, NM_001407985.1, NM_001407992.1 and 65 more transcripts); c.450T>A, p.Ser150Arg (NM_001408408.1, NM_001407646.1, NM_001407647.1); c.381T>A, p.Ser127Arg (NM_001408409.1, NM_001408411.1, NM_001408412.1 and 12 more transcripts); c.318T>A, p.Ser106Arg (NM_001408410.1, NM_001408496.1, NM_001408497.1 and 61 more transcripts); c.378T>A, p.Ser126Arg (NM_001408413.1, NM_001407659.1, NM_001407660.1 and 6 more transcripts); c.246T>A, p.Ser82Arg (NM_001407571.1, NM_001408491.1, NM_001408493.1 and 18 more transcripts); c.249T>A, p.Ser83Arg (NM_001408492.1, NM_001408502.1, NM_001408506.1 and 37 more transcripts); and 4 more; short protein forms S106R, S153R, S126R, S150R, S26R, S127R, S108R, S25R.
Identifiers: ClinVar variation 1330109 (VCV001330109.3), dbSNP rs1555594962, ClinGen allele CA10601216.
Genomic context (GRCh38, chr17:43,099,863, plus strand): 5'-AGGTTGTATCCGCTGCTTTGTCCTCAGAGTTCTCACAGTTCCAAGGTTAGAGAGTTGGAC[A>T]CTGAGACTGGTTTCCTGCTAAACAGTATGGTAAAGAACAGTCAAGCAATTGTTGGCCAGT-3'
Protein context (NP_009225.1, residues 143-163): ENPSLQETSL[Ser153Arg]VQLSNLGTVR

ClinVar aggregate classification (germline): Uncertain significance. Review status: criteria provided, multiple submitters, no conflicts (2 of 4 stars). 2 submissions from 2 submitters: Uncertain significance (2). Last evaluated 2024-04-10.

Conditions:
Hereditary cancer-predisposing syndrome. Also called: Hereditary Cancer Syndrome; Tumor predisposition; Neoplastic Syndromes, Hereditary; Hereditary neoplastic syndrome. Identifiers: Orphanet 140162, MedGen C0027672, MeSH D009386, MONDO:0015356.

Submissions (2):

Ambry Genetics
Classification: Uncertain significance for Hereditary cancer-predisposing syndrome. Last evaluated: 2024-04-10. Review status: criteria provided, single submitter. Criteria: Ambry Variant Classification Scheme 2023. Collection method: clinical testing. Allele origin: germline.
Comment: The p.S153R variant (also known as c.459T>A), located in coding exon 6 of the BRCA1 gene, results from a T to A substitution at nucleotide position 459. The serine at codon 153 is replaced by arginine, an amino acid with dissimilar properties. This amino acid position is not well conserved in available vertebrate species. In addition, the in silico prediction for this alteration is inconclusive. Based on the available evidence, the clinical significance of this variant remains unclear.

Quest Diagnostics Nichols Institute San Juan Capistrano
Classification: Uncertain significance. Last evaluated: 2021-04-19. Review status: criteria provided, single submitter. Criteria: Quest Diagnostics criteria. Collection method: clinical testing. Allele origin: unknown.

Literature cited by the submitters: PubMed 23161852 (cited by Quest Diagnostics Nichols Institute San Juan Capistrano); PubMed 17719744 (cited by Quest Diagnostics Nichols Institute San Juan Capistrano).